The following is an entry in ClinVar:

NM_001386140.1(MTTP):c.907T>C (p.Ser303Pro)

Gene: MTTP (microsomal triglyceride transfer protein; plus strand). Cytogenetic location: 4q23.
Variant type: single nucleotide variant.
Coding change: c.907T>C on transcript NM_001386140.1 (MANE Select); coding-DNA position 907, T replaced by C.
Protein change: p.Ser303Pro; replaces serine 303 with proline.
Molecular consequence: missense variant.
Genome position (GRCh38, 1-based): chr4:99,594,881, T>C. VCF-style: chr4-99594881-T-C. GRCh37 (hg19) VCF-style: chr4-100516038-T-C.
Other names: c.907T>C, p.Ser303Pro (NM_000253.4); c.658T>C, p.Ser220Pro (NM_001300785.2); short protein forms S220P, S303P.
Identifiers: ClinVar variation 1399039 (VCV001399039.3), dbSNP rs1725516415, ClinGen allele CA357506275.
Genomic context (GRCh38, chr4:99,594,881, plus strand): 5'-AAGTACACGGCCATTCCCATTGTGGGGCAGGTCTTCCAGAGCCACTGTAAAGGATGTCCT[T>C]CTGTAAGTGCAGACAAATATGGGAATAATCATGACATCAGACTCTGTTTTCATTTTGTCT-3'
Protein context (NP_001373069.1, residues 293-313): VFQSHCKGCP[Ser303Pro]LSELWRSTRK

ClinVar aggregate classification (germline): Uncertain significance (1 of 4 stars; one submission).

gnomAD v4.1: 1 of 1,613,796 alleles (0.000062%); highest among the groups gnomAD compares: African/African-American, 0.0013%; no homozygotes.

Submission:

Labcorp Genetics (formerly Invitae), Labcorp
Classification: Uncertain significance. Last evaluated: 2021-10-28. Review status: criteria provided, single submitter. Criteria: Invitae Variant Classification Sherloc (09022015). Collection method: clinical testing. Allele origin: germline.
Comment: This sequence change replaces serine, which is neutral and polar, with proline, which is neutral and non-polar, at codon 303 of the MTTP protein (p.Ser303Pro). This variant is not present in population databases (gnomAD no frequency). This variant has not been reported in the literature in individuals affected with MTTP-related conditions. Algorithms developed to predict the effect of missense changes on protein structure and function (SIFT, PolyPhen-2, Align-GVGD) all suggest that this variant is likely to be tolerated. In summary, the available evidence is currently insufficient to determine the role of this variant in disease. Therefore, it has been classified as a Variant of Uncertain Significance.